The following is an entry in ClinVar:

NM_001277115.2(DNAH11):c.10773C>G (p.His3591Gln)

Gene: DNAH11 (dynein axonemal heavy chain 11; plus strand). Cytogenetic location: 7p15.3.
Variant type: single nucleotide variant.
Coding change: c.10773C>G on transcript NM_001277115.2 (MANE Select); coding-DNA position 10773, C replaced by G.
Protein change: p.His3591Gln; replaces histidine 3591 with glutamine.
Molecular consequence: missense variant.
Genome position (GRCh38, 1-based): chr7:21,842,625, C>G. VCF-style: chr7-21842625-C-G. GRCh37 (hg19) VCF-style: chr7-21882243-C-G.
Other names: c.10794C>G, p.His3598Gln (NM_003777.3); short protein forms H3591Q, H3598Q.
Identifiers: ClinVar variation 3062132 (VCV003062132.1), dbSNP rs771002221, ClinGen allele CA366956759.
Genomic context (GRCh38, chr7:21,842,625, plus strand): 5'-AGAATGTGAATTTAACAAGAACTTTCGCCTTATCCTTCACACAAAATTGGCAAATCCTCA[C>G]TATAAGCCGGAATTACAAGCTCAGACAACTCTCCTCAATTTCACAGTCACAGAAGATGGT-3'
Protein context (NP_001264044.1, residues 3581-3601): LILHTKLANP[His3591Gln]YKPELQAQTT

ClinVar aggregate classification (germline): Uncertain significance (1 of 4 stars; one submission).

Conditions:
Primary ciliary dyskinesia 7. Also called: CILIARY DYSKINESIA, PRIMARY, 7, WITH OR WITHOUT SITUS INVERSUS. Identifiers: Orphanet 244, MedGen C2678473, MONDO:0012748, OMIM 611884.

gnomAD v4.1: 1 of 1,613,978 alleles (0.000062%); highest among the groups gnomAD compares: Non-Finnish European, 0.000085%; no homozygotes.

Submission:

Illumina Laboratory Services, Illumina
Classification: Uncertain significance for Primary ciliary dyskinesia 7. Last evaluated: 2017-04-28. Review status: criteria provided, single submitter. Criteria: ICSLVariantClassificationCriteria RUGD 01 April 2020. Collection method: clinical testing. Allele origin: unknown.
Comment: The DNAH11 c.10773C>G p.(His3591Gln) missense variant has not, to our knowledge, been reported in the peer-reviewed literature. This variant is not observed at a significant frequency in version 2.1.1 of the Genome Aggregation Database. Based on the available evidence, the c.10773C>G p.(His3591Gln) variant is classified as a variant of uncertain significance for primary ciliary dyskinesia.